The following is an entry in ClinVar:

ClinVar aggregate classification (germline): Likely benign. Review status: criteria provided, multiple submitters, no conflicts (2 of 4 stars). 2 submissions from 2 submitters: Likely benign (2). Last evaluated 2025-09-13.

Conditions:
Schuurs-Hoeijmakers syndrome. Also called: PACS1-Related Neurodevelopmental Disorder. Identifiers: Orphanet 329224, MedGen C3554343, MONDO:0014006, OMIM 615009.
PACS1-related disorder. Also called: PACS1-related condition.

Allele frequency attached by ClinVar (database versions not stated): gnomAD exomes 0.00003 and 0.00008; ExAC 0.00004; gnomAD 0.00004; TOPMed 0.00006; ESP Exome Variant Server 0.00015.
gnomAD v4.1: 134 of 1,610,176 alleles (0.0083%); highest among the groups gnomAD compares: Non-Finnish European, 0.01%; no homozygotes.

Submissions (2):

PreventionGenetics, part of Exact Sciences
Classification: Likely benign for PACS1-related condition. Last evaluated: 2025-09-13. Review status: criteria provided, single submitter. Criteria: ACMG Guidelines, 2015. Collection method: clinical testing. Allele origin: germline.
Comment: This variant is classified as likely benign based on ACMG/AMP sequence variant interpretation guidelines (Richards et al. 2015 PMID: 25741868, with internal and published modifications).

Labcorp Genetics (formerly Invitae), Labcorp
Classification: Likely benign for Schuurs-Hoeijmakers syndrome. Last evaluated: 2025-03-11. Review status: criteria provided, single submitter. Criteria: Invitae Variant Classification Sherloc (09022015). Collection method: clinical testing. Allele origin: germline.

NM_018026.4(PACS1):c.1353C>T (p.Ser451=)

Gene: PACS1 (phosphofurin acidic cluster sorting protein 1; plus strand). Cytogenetic location: 11q13.2.
Variant type: single nucleotide variant.
Coding change: c.1353C>T on transcript NM_018026.4 (MANE Select); coding-DNA position 1353, C replaced by T.
Protein change: p.Ser451=; no amino-acid change (serine 451 retained).
Molecular consequence: synonymous variant.
Genome position (GRCh38, 1-based): chr11:66,227,563, C>T. VCF-style: chr11-66227563-C-T. GRCh37 (hg19) VCF-style: chr11-65995034-C-T.
Other names: c.1353C>T (NM_018026.3).
Identifiers: ClinVar variation 1583622 (VCV001583622.9), dbSNP rs144058964, ClinGen allele CA6116549.